The following is an entry in ClinVar:

NM_004621.6(TRPC6):c.2625G>A (p.Glu875=)

Gene: TRPC6 (transient receptor potential cation channel subfamily C member 6; minus strand). Cytogenetic location: 11q22.1.
Variant type: single nucleotide variant.
Coding change: c.2625G>A on transcript NM_004621.6 (MANE Select); coding-DNA position 2625, G replaced by A.
Protein change: p.Glu875=; no amino-acid change (glutamic acid 875 retained).
Molecular consequence: synonymous variant.
Genome position (GRCh38, 1-based): chr11:101,453,669, C>T on the plus strand (G>A on the coding strand, the complement: TRPC6 is on the minus strand). VCF-style: chr11-101453669-C-T. GRCh37 (hg19) VCF-style: chr11-101324400-C-T.
Identifiers: ClinVar variation 3047666 (VCV003047666.2), dbSNP rs2497277402, ClinGen allele CA476540174.
Genomic context (GRCh38, chr11:101,453,669, plus strand): 5'-ACTCACATTCAGGGGCTGATTTGCTTCTGCGTTCAACTCACCTTCGTTCACTTCATCACT[C>T]TCCTTATCTATCTGGGCCTGCAGTACATATCTTTTAATGAGCCTTTTCATTATTTTCTAG-3'
Protein context (NP_004612.2, residues 865-885): RYVLQAQIDK[Glu875=]SDEVNEGELK

ClinVar aggregate classification (germline): Likely benign (0 of 4 stars; one submission).

Conditions:
TRPC6-related disorder. Also called: TRPC6-related condition.

Allele frequency attached by ClinVar (database versions not stated): gnomAD exomes below 0.00001.
gnomAD v4.1: 1 of 1,613,980 alleles (0.000062%); highest among the groups gnomAD compares: South Asian, 0.0011%; no homozygotes.

Submission:

PreventionGenetics, part of Exact Sciences
Classification: Likely benign for TRPC6-related condition. Last evaluated: 2022-02-28. Review status: no assertion criteria provided. Collection method: clinical testing. Allele origin: germline.
Comment: This variant is classified as likely benign based on ACMG/AMP sequence variant interpretation guidelines (Richards et al. 2015 PMID: 25741868, with internal and published modifications).